The following is an entry in ClinVar:

NM_002834.5(PTPN11):c.211T>C (p.Phe71Leu)

Gene: PTPN11 (protein tyrosine phosphatase non-receptor type 11; plus strand). Cytogenetic location: 12q24.13.
Variant type: single nucleotide variant.
Coding change: c.211T>C on transcript NM_002834.5 (MANE Select); coding-DNA position 211, T replaced by C.
Protein change: p.Phe71Leu; replaces phenylalanine 71 with leucine.
Molecular consequence: missense variant.
Genome position (GRCh38, 1-based): chr12:112,450,391, T>C. VCF-style: chr12-112450391-T-C. GRCh37 (hg19) VCF-style: chr12-112888195-T-C.
Other names: p.F71L:TTT>CTT; c.211T>C (NM_002834.4); c.211T>C, p.Phe71Leu (NM_001330437.2, NM_080601.3); c.208T>C, p.Phe70Leu (NM_001374625.1); short protein forms F71L, F70L.
Identifiers: ClinVar variation 40499 (VCV000040499.27), dbSNP rs397507512, ClinGen allele CA273215.

ClinVar aggregate classification (germline): Pathogenic/Likely pathogenic. Review status: criteria provided, multiple submitters, no conflicts (2 of 4 stars). 9 submissions from 9 submitters: Pathogenic (3); Likely pathogenic (2). 4 of the submissions do not count toward it. Last evaluated 2025-04-08.

Conditions:
PTPN11-related disorder. Also called: PTPN11-Related Disorders.
RASopathy. Also called: rasopathies; Noonan spectrum disorder. Identifiers: Orphanet 536391, MedGen C5555857, MONDO:0021060.
Noonan syndrome (NS). Also called: Noonan's syndrome. Identifiers: Orphanet 648, MedGen C0028326, MeSH D009634, MONDO:0018997. Disease mechanism: gain of function.
Noonan syndrome 3 (NS3). Also called: KRAS-Related Noonan Syndrome. Identifiers: Orphanet 648, MedGen C1860991, MONDO:0012371, OMIM 609942.
Noonan syndrome 1 (NS1). Also called: TURNER PHENOTYPE WITH NORMAL KARYOTYPE; PTPN11-Related Noonan Syndrome; FEMALE PSEUDO-TURNER SYNDROME. Identifiers: Orphanet 648, MedGen C4551602, MONDO:0008104, OMIM 163950. Disease mechanism: gain of function.

Allele frequency attached by ClinVar (database versions not stated): gnomAD exomes below 0.00001.
gnomAD v4.1: 1 of 1,613,592 alleles (0.000062%); highest among the groups gnomAD compares: Non-Finnish European, 0.000085%; no homozygotes.

Submissions (9):

GeneDx
Classification: Pathogenic. Last evaluated: 2025-04-08. Review status: criteria provided, single submitter. Criteria: GeneDx Variant Classification Process June 2021. Collection method: clinical testing. Allele origin: germline. Affected: yes.
Comment: Not observed at significant frequency in large population cohorts (gnomAD); In silico analysis supports that this missense variant has a deleterious effect on protein structure/function; Missense variants in this gene are a common cause of disease and they are underrepresented in the general population; This variant is associated with the following publications: (PMID: 32164556, 24803665, 22681964, 19737548, 18759865, 18286234, 16358218, 14644997, 25097206, 26918529, 32794475, 36349709, 38539499, 38798550, 36380727, 34680203, 37021926, 34714648, 12634870, 11992261, 16053901, 29493581, 9491886)

Labcorp Genetics (formerly Invitae), Labcorp
Classification: Pathogenic for RASopathy. Last evaluated: 2021-09-21. Review status: criteria provided, single submitter. Criteria: Invitae Variant Classification Sherloc (09022015). Collection method: clinical testing. Allele origin: germline.
Comment: For these reasons, this variant has been classified as Pathogenic. This missense change is located in a region of the PTPN11 protein in which a significant number of missense variants have been reported (PMID: 18470943). These observations suggest that this may be a clinically significant region of the protein. Algorithms developed to predict the effect of missense changes on protein structure and function are either unavailable or do not agree on the potential impact of this missense change (SIFT: "Tolerated"; PolyPhen-2: "Probably Damaging"; Align-GVGD: "Class C0"). ClinVar contains an entry for this variant (Variation ID: 40499). This missense change has been observed in individual(s) with clinical features of PTPN11-related conditions (PMID: 12634870, 14644997, 18759865, 19737548, 25097206; Invitae). In at least one individual the variant was observed to be de novo. This variant is not present in population databases (ExAC no frequency). This sequence change replaces phenylalanine with leucine at codon 71 of the PTPN11 protein (p.Phe71Leu). The phenylalanine residue is moderately conserved and there is a small physicochemical difference between phenylalanine and leucine.

ARUP Laboratories, Molecular Genetics and Genomics, ARUP Laboratories
Classification: Pathogenic. Last evaluated: 2018-04-11. Review status: criteria provided, single submitter. Criteria: ARUP Molecular Germline Variant Investigation Process. Collection method: clinical testing. Allele origin: germline.
Comment: The PTPN11 c.211T>C; p.Phe71Leu variant (rs397507512) has been reported as a germline variant in multiple individuals with Noonan syndrome (Musante 2003, Strullu 2014), and also as a somatic variant in cases of juvenile myeolmonocytic leukemia and related malignancies (Strullu 2014, Tartaglia 2003, Zhange 2011). This variant, like most PTPN11 pathogenic variants associated with Noonan syndrome and childhood malignancies, affects the N-terminal SH2 regulatory domain of the protein (Musante 2003), and multiple other variants affecting this amino acid and other nearby residues have also been reported as pathogenic, including p.Phe71Ile, p.Glu69Gln, p.Lys70Arg, and p.Ala72Gly (Niihori 2005, Musante 2003, Xu 2017, Tartaglia 2001). This variant is absent from the general population databases (1000 Genomes Project, Exome Variant Server, Genome Aggregation Database), indicating it is not a common polymorphism, and is classified as pathogenic/likely pathogenic in ClinVar (variant ID: 40499). Based on the available evidence, the p.Phe71Leu variant is classified as pathogenic.

Women's Health and Genetics/Laboratory Corporation of America, LabCorp
Classification: Likely pathogenic for Noonan syndrome 3. Last evaluated: 2017-03-27. Review status: criteria provided, single submitter. Criteria: LabCorp Variant Classification Summary - May 2015. Collection method: clinical testing. Allele origin: germline.
Comment: Variant summary: The PTPN11 c.211T>C (p.Phe71Leu) variant located in the N-SH2 domain involves the alteration of a conserved nucleotide and 3/4 in silico tools (SNPs&GO not captured due to low reliability index) predict a damaging outcome. The variant of interest has not been observed in 121630 control chromosomes (ExAC and publication controls). Multiple publications have cited the variant in affected individuals diagnosed with Noonan syndrome, pediatric acute myeloid leukemia (AML) or JMML (Juvenile Myelomonocytic Leukemia). The variant of interest has also been indicated as a somatic occurrence in multiple patients with the Leukemic presentation(s). It is important to note that somatic PTPN11 mutations have been reported to exist in up to 35% of patients with JMML while germline PTPN11 mutations cause Noonan syndrome. Furthermore, additonal variants causing the same missense change, c.213T>A and c.213T>G, or another missense change at this position, c.211T>A (p.Phe71Ile) have been reported in the pathogenic spectrum, therefore, indicating the location is important for protein function. In addition, multiple clinical diagnostic laboratories classify the variant as "likely pathogenic/pathogenic." No well-established functional studies supportive of a damaging effect on the protein product have been published. Therefore, taking all available lines of evidence into consideration, the variant of interest has been classified as "likely pathogenic."

Laboratory for Molecular Medicine, Mass General Brigham Personalized Medicine
Classification: Likely pathogenic for Noonan syndrome. Last evaluated: 2013-04-05. Review status: criteria provided, single submitter. Criteria: LMM Criteria. Collection method: clinical testing. Allele origin: germline. Inheritance: Autosomal dominant inheritance. Observed: 1 variant allele.
Comment: The Phe71Leu variant in PTPN11 has not been seen before in our laboratory; howev er it has been reported in the literature in clinical features of Noonan syndrom e and pediatric acute myeloid leukemia (AML; Musante 2003, Loh 2004, Chan 2006). The Phe71Leu variant has not been identified in large European American and Afr ican American populations by the NHLBI Exome Sequencing Project. This variant has also been identified as an acquired somati c mutation in patients with hematological malignancies (Tartaglia 2006, Tartagli a 2005, Loh 2004, Chan 2006). The majority of identified pathogenic variants in the PTPN11 gene are located in exon 3 and involve the amino acids preceding and following the Phe71 residue, affect the N-SH2 domain, and are gain-of-function/a ctivating variants. Computational analyses (biochemical amino acid properties, c onservation, AlignGVGD, PolyPhen2, and SIFT) do not provide strong support for o r against an impact to the protein. In summary, this variant is likely pathogeni c, though additional studies are required to fully establish its clinical signif icance.

PreventionGenetics, part of Exact Sciences
Classification: Pathogenic for PTPN11-related condition. Last evaluated: 2024-01-29. Review status: no assertion criteria provided. Collection method: clinical testing. Allele origin: germline. Not counted in ClinVar's aggregate classification.
Comment: The PTPN11 c.211T>C variant is predicted to result in the amino acid substitution p.Phe71Leu. This variant has been reported in individuals with Noonan syndrome (Musante et al. 2003. PubMed ID: 12634870; Athota et al. 2020. PubMed ID: 32164556), Noonan syndrome with juvenile myelomonocytic leukaemia (Strullu et al. 2014. PubMed ID: 25097206), and in prenatal cases with features consistent with Noonan syndrome (Lee et al. 2008. PubMed ID: 18759865; Hakami et al. 2016. PubMed ID: 26918529). A different variant that affects the same residue (c.211T>A, p.Phe71Ile) has also been reported in individuals with Noonan syndrome (Niihori et al. 2005. PubMed ID: 15834506). In ClinVar, the c.211T>C variant is listed as likely pathogenic/pathogenic. The p.Phe71Leu variant has also been reported as a somatic change in individuals with hematologic malignancies (see for example - Loh et al. 2004. PubMed ID: 15385933; Tartaglia et al. 2005. PubMed ID: 15842656). This variant is interpreted as pathogenic.

Division of Human Genetics, National Health Laboratory Service/University of the Witwatersrand
Classification: Pathogenic for Noonan syndrome 1. Review status: no assertion criteria provided. Collection method: research. Allele origin: unknown. Affected: yes. Observed: 1 variant allele. Not counted in ClinVar's aggregate classification.

Joint Genome Diagnostic Labs from Nijmegen and Maastricht, Radboudumc and MUMC+
Classification: Pathogenic. Review status: no assertion criteria provided. Collection method: clinical testing. Allele origin: germline. Affected: yes. Study: VKGL Data-share Consensus. Not counted in ClinVar's aggregate classification.

Laboratory of Diagnostic Genome Analysis, Leiden University Medical Center (LUMC)
Classification: Pathogenic. Review status: no assertion criteria provided. Collection method: clinical testing. Allele origin: germline. Affected: yes. Study: VKGL Data-share Consensus. Not counted in ClinVar's aggregate classification.

Literature cited by the submitters: PubMed 18470943 (cited by Labcorp Genetics (formerly Invitae), Labcorp); PubMed 12634870 (cited by 3 submitters); PubMed 14644997 (cited by Labcorp Genetics (formerly Invitae), Labcorp); PubMed 18759865 (cited by Labcorp Genetics (formerly Invitae), Labcorp and Women's Health and Genetics/Laboratory Corporation of America, LabCorp); PubMed 19737548 (cited by Labcorp Genetics (formerly Invitae), Labcorp and Women's Health and Genetics/Laboratory Corporation of America, LabCorp); PubMed 25097206 (cited by Labcorp Genetics (formerly Invitae), Labcorp and Women's Health and Genetics/Laboratory Corporation of America, LabCorp); PubMed 22681964 (cited by Women's Health and Genetics/Laboratory Corporation of America, LabCorp); PubMed 15928039 (cited by Women's Health and Genetics/Laboratory Corporation of America, LabCorp); PubMed 21680795 (cited by Women's Health and Genetics/Laboratory Corporation of America, LabCorp); PubMed 24931631 (cited by Women's Health and Genetics/Laboratory Corporation of America, LabCorp); PubMed 27683039 (cited by Women's Health and Genetics/Laboratory Corporation of America, LabCorp); PubMed 16467864 (cited by Women's Health and Genetics/Laboratory Corporation of America, LabCorp); PubMed 16358218 (cited by Laboratory for Molecular Medicine, Mass General Brigham Personalized Medicine); PubMed 18286234 (cited by Laboratory for Molecular Medicine, Mass General Brigham Personalized Medicine); PubMed 15842656 (cited by Laboratory for Molecular Medicine, Mass General Brigham Personalized Medicine); PubMed 15385933 (cited by Laboratory for Molecular Medicine, Mass General Brigham Personalized Medicine).